The following is an entry in ClinVar:

ClinVar aggregate classification (germline): Uncertain significance. Review status: criteria provided, multiple submitters, no conflicts (2 of 4 stars). 2 submissions from 2 submitters: Uncertain significance (2). Last evaluated 2025-08-12.

Conditions:
Left ventricular noncompaction 1 (LVNC1). Also called: LEFT VENTRICULAR NONCOMPACTION 1 WITH OR WITHOUT CONGENITAL HEART DEFECTS. Identifiers: Orphanet 54260, MedGen C1858725, MONDO:0011403, OMIM 604169.

gnomAD v4.1: 3 of 1,614,142 alleles (0.00019%); highest among the groups gnomAD compares: East Asian, 0.0045%; no homozygotes.

Submissions (2):

Ambry Genetics
Classification: Uncertain significance. Last evaluated: 2025-08-12. Review status: criteria provided, single submitter. Criteria: Ambry Variant Classification Scheme 2023. Collection method: clinical testing. Allele origin: germline.

Labcorp Genetics (formerly Invitae), Labcorp
Classification: Uncertain significance for Left ventricular noncompaction 1. Last evaluated: 2025-03-11. Review status: criteria provided, single submitter. Criteria: Invitae Variant Classification Sherloc (09022015). Collection method: clinical testing. Allele origin: germline.
Comment: This sequence change replaces threonine, which is neutral and polar, with alanine, which is neutral and non-polar, at codon 87 of the DTNA protein (p.Thr87Ala). This variant is present in population databases (rs766398695, gnomAD 0.006%). This variant has not been reported in the literature in individuals affected with DTNA-related conditions. Invitae Evidence Modeling of protein sequence and biophysical properties (such as structural, functional, and spatial information, amino acid conservation, physicochemical variation, residue mobility, and thermodynamic stability) indicates that this missense variant is not expected to disrupt DTNA protein function with a negative predictive value of 80%. In summary, the available evidence is currently insufficient to determine the role of this variant in disease. Therefore, it has been classified as a Variant of Uncertain Significance.

NM_001386795.1(DTNA):c.259A>G (p.Thr87Ala)

Gene: DTNA (dystrobrevin alpha; plus strand). Cytogenetic location: 18q12.1.
Variant type: single nucleotide variant.
Coding change: c.259A>G on transcript NM_001386795.1 (MANE Select); coding-DNA position 259, A replaced by G.
Protein change: p.Thr87Ala; replaces threonine 87 with alanine.
Molecular consequence: missense variant.
Genome position (GRCh38, 1-based): chr18:34,794,147, A>G. VCF-style: chr18-34794147-A-G. GRCh37 (hg19) VCF-style: chr18-32374111-A-G.
Other names: c.259A>G, p.Thr87Ala (NM_001128175.2, NM_001198938.2, NM_001198939.2 and 35 more transcripts); short protein forms T87A.
Identifiers: ClinVar variation 4245233 (VCV004245233.2).
Genomic context (GRCh38, chr18:34,794,147, plus strand): 5'-CTGAACAACCTGGACCCAAACACTGAACTCAACGTGTCCCGCTTAGAGGCTGTGCTCTCC[A>G]CTATTTTTTACCAGCTCAACAAACGGATGCCAACCACTCACCAAATCCATGTGGAGCAGT-3'
Protein context (NP_001373724.1, residues 77-97): NVSRLEAVLS[Thr87Ala]IFYQLNKRMP